The following is an entry in ClinVar:

NM_006267.5(RANBP2):c.3388G>C (p.Asp1130His)

Gene: RANBP2 (RAN binding protein 2; plus strand). Cytogenetic location: 2q13.
Variant type: single nucleotide variant.
Coding change: c.3388G>C on transcript NM_006267.5 (MANE Select); coding-DNA position 3388, G replaced by C.
Protein change: p.Asp1130His; replaces aspartic acid 1130 with histidine.
Molecular consequence: missense variant.
Genome position (GRCh38, 1-based): chr2:108,763,927, G>C. VCF-style: chr2-108763927-G-C. GRCh37 (hg19) VCF-style: chr2-109380383-G-C.
Other names: c.3388G>C, p.Asp1130His (NM_001415871.1, NM_001415873.1); c.3385G>C, p.Asp1129His (NM_001415872.1); short protein forms D1129H, D1130H.
Identifiers: ClinVar variation 2500488 (VCV002500488.1), dbSNP rs765238832, ClinGen allele CA1822939.

ClinVar aggregate classification (germline): Uncertain significance (1 of 4 stars; one submission).

Allele frequency attached by ClinVar (database versions not stated): TOPMed below 0.00001; gnomAD 0.00002; gnomAD exomes 0.00003; ExAC 0.00009.
gnomAD v4.1: 48 of 1,613,794 alleles (0.003%); highest among the groups gnomAD compares: South Asian, 0.052%; 1 homozygote.

Submission:

GeneDx
Classification: Uncertain significance. Last evaluated: 2022-10-25. Review status: criteria provided, single submitter. Criteria: GeneDx Variant Classification Process June 2021. Collection method: clinical testing. Allele origin: germline. Affected: yes.
Comment: In silico analysis supports that this missense variant does not alter protein structure/function; Has not been previously published as pathogenic or benign to our knowledge